The following is an entry in ClinVar:

NM_144687.4(NLRP12):c.1850_1863del (p.Cys616_Leu617insTer)

Gene: NLRP12 (NLR family pyrin domain containing 12; minus strand). Cytogenetic location: 19q13.42.
Variant type: Deletion.
Coding change: c.1850_1863del on transcript NM_144687.4 (MANE Select); coding-DNA positions 1850 to 1863, 14 bases deleted (TGTACGAGATCCAG).
Protein change: p.Cys616_Leu617insTer.
Molecular consequence: nonsense.
Genome position (GRCh38, 1-based): chr19:53,809,796-53,809,809, CTGGATCTCGTACA deleted on the plus strand (TGTACGAGATCCAG on the coding strand, the reverse complement: NLRP12 is on the minus strand). VCF-style (leftmost placement, unchanged base first): chr19-53809795-CCTGGATCTCGTACA-C. GRCh37 (hg19) VCF-style: chr19-54313049-CCTGGATCTCGTACA-C.
Other names: c.1850_1863del, p.Cys616_Leu617insTer (NM_001277126.2, NM_001277129.1).
Identifiers: ClinVar variation 1958632 (VCV001958632.5), dbSNP rs2514331681, ClinGen allele CA2580097753.

ClinVar aggregate classification (germline): Uncertain significance (1 of 4 stars; one submission).

Conditions:
Familial cold autoinflammatory syndrome 2 (FCAS2). Identifiers: Orphanet 247868, MedGen C2673198, MONDO:0012724, OMIM 611762.

Submission:

Labcorp Genetics (formerly Invitae), Labcorp
Classification: Uncertain significance for Familial cold autoinflammatory syndrome 2. Last evaluated: 2025-09-28. Review status: criteria provided, single submitter. Criteria: Invitae Variant Classification Sherloc (09022015). Collection method: clinical testing. Allele origin: germline.
Comment: This sequence change creates a premature translational stop signal (p.Leu617*) in the NLRP12 gene. It is expected to result in an absent or disrupted protein product. However, the current clinical and genetic evidence is not sufficient to establish whether loss-of-function variants in NLRP12 cause disease. This variant is not present in population databases (gnomAD no frequency). This variant has not been reported in the literature in individuals affected with NLRP12-related conditions. ClinVar contains an entry for this variant (Variation ID: 1958632). In summary, the available evidence is currently insufficient to determine the role of this variant in disease. Therefore, it has been classified as a Variant of Uncertain Significance.